The following is an entry in ClinVar:

ClinVar aggregate classification (germline): Likely benign (1 of 4 stars; one submission).

gnomAD v4.1: 944 of 1,613,996 alleles (0.058%); highest among the groups gnomAD compares: African/African-American, 1.1%; 5 homozygotes.

Submission:

CeGaT Center for Human Genetics Tuebingen
Classification: Likely benign. Last evaluated: 2026-04-01. Review status: criteria provided, single submitter. Criteria: CeGaT Center For Human Genetics Tuebingen Variant Classification Criteria Version 2. Collection method: clinical testing. Allele origin: germline. Affected: yes. Observed: 1 variant allele.
Comment: FLG2: BP4, BS1

NM_001014342.3(FLG2):c.310C>T (p.Arg104Cys)

Genes: CCDST (cervical cancer associated DHX9 suppressive transcript; plus strand), FLG2 (filaggrin 2; minus strand). Cytogenetic location: 1q21.3.
Variant type: single nucleotide variant.
Coding change: c.310C>T on transcript NM_001014342.3 (MANE Select); coding-DNA position 310, C replaced by T.
Protein change: p.Arg104Cys; replaces arginine 104 with cysteine.
Molecular consequence: missense variant.
Genome position (GRCh38, 1-based): chr1:152,357,476, G>A on the plus strand (C>T on the coding strand, the complement: FLG2 is on the minus strand). VCF-style: chr1-152357476-G-A. GRCh37 (hg19) VCF-style: chr1-152329952-G-A.
Other names: short protein forms R104C.
Identifiers: ClinVar variation 4872379 (VCV004872379.2).